The following is an entry in ClinVar:

NM_005050.4(ABCD4):c.669-13T>G

Gene: ABCD4 (ATP binding cassette subfamily D member 4; minus strand). Cytogenetic location: 14q24.3.
Variant type: single nucleotide variant.
Coding change: c.669-13T>G on transcript NM_005050.4 (MANE Select); 13 bases into the intron before coding-DNA position 669, T replaced by G.
Molecular consequence: intron variant.
Genome position (GRCh38, 1-based): chr14:74,295,211, A>C on the plus strand (T>G on the coding strand, the complement: ABCD4 is on the minus strand). VCF-style: chr14-74295211-A-C. GRCh37 (hg19) VCF-style: chr14-74761914-A-C.
Other names: p.?; c.-26-13T>G (NM_001353607.2, NM_001353604.2, NM_001353603.2 and 6 more transcripts); c.192-13T>G (NM_001353598.2, NM_001353601.2, NM_001353600.2 and 2 more transcripts); c.407+643T>G (NM_001353594.2); c.408-13T>G (NM_001353593.2); c.254+643T>G (NM_001353597.2); c.255-13T>G (NM_001353596.2, NM_001353595.2); c.543-13T>G (NM_001353591.2, NM_001353592.2); and 1 more.
Identifiers: ClinVar variation 380514 (VCV000380514.16), dbSNP rs144451801, ClinGen allele CA7267114.

ClinVar aggregate classification (germline): Benign/Likely benign. Review status: criteria provided, multiple submitters, no conflicts (2 of 4 stars). 6 submissions from 6 submitters: Benign (5); Likely benign (1). Last evaluated 2026-01-31.

Conditions:
Methylmalonic acidemia with homocystinuria, type cblJ (MAHCJ). Also called: METHYLMALONIC ACIDURIA AND HOMOCYSTINURIA, cblJ TYPE. Identifiers: Orphanet 369955, MedGen C3553915, MONDO:0013925, OMIM 614857.

Allele frequency attached by ClinVar (database versions not stated): gnomAD exomes 0.00080 and 0.00199; ExAC 0.00241; gnomAD 0.00783 and 0.00836; ESP Exome Variant Server 0.00838; TOPMed 0.00852; 1000 Genomes Project 0.00879; 1000 Genomes Project 30x 0.00968.
gnomAD v4.1: 2,407 of 1,614,124 alleles (0.15%); highest among the groups gnomAD compares: African/African-American, 2.8%; 27 homozygotes.

Submissions (20):

Labcorp Genetics (formerly Invitae), Labcorp
Classification: Benign for Methylmalonic acidemia with homocystinuria, type cblJ. Last evaluated: 2026-01-31. Review status: criteria provided, single submitter. Criteria: Invitae Variant Classification Sherloc (09022015). Collection method: clinical testing. Allele origin: germline.

Mayo Clinic Laboratories, Mayo Clinic
Classification: Benign. Last evaluated: 2025-08-25. Review status: criteria provided, single submitter. Criteria: ACMG Guidelines, 2015. Collection method: clinical testing. Allele origin: germline. Observed: 1 variant allele.
Comment: BA1

ARUP Laboratories, Molecular Genetics and Genomics, ARUP Laboratories
Classification: Benign for Methylmalonic acidemia with homocystinuria, type cblJ. Last evaluated: 2025-06-03. Review status: criteria provided, single submitter. Criteria: ARUP Molecular Germline Variant Investigation Process 2024. Collection method: clinical testing. Allele origin: germline.

Blueprint Genetics
Classification: Likely benign. Last evaluated: 2024-11-06. Review status: criteria provided, single submitter. Criteria: ACMG Guidelines, 2015. Collection method: clinical testing. Allele origin: germline.

GeneDx
Classification: Benign. Last evaluated: 2017-12-26. Review status: criteria provided, single submitter. Criteria: GeneDx Variant Classification (06012015). Collection method: clinical testing. Allele origin: germline. Affected: yes.
Comment: This variant is considered likely benign or benign based on one or more of the following criteria: it is a conservative change, it occurs at a poorly conserved position in the protein, it is predicted to be benign by multiple in silico algorithms, and/or has population frequency not consistent with disease.

Breakthrough Genomics
Classification: Benign. Review status: criteria provided, single submitter. Criteria: ACMG Guidelines, 2015. Collection method: not provided. Allele origin: germline. Inheritance: Autosomal recessive inheritance. Affected: yes.

Dr. Peter K. Rogan Lab, Western University
No classification provided (evidence only). Condition: Lung cancer. Review status: no classification provided. Collection method: in vitro. Allele origin: not applicable. Functional consequence: retained intron. Not counted in ClinVar's aggregate classification.

Dr. Peter K. Rogan Lab, Western University
No classification provided (evidence only). Condition: Lung cancer. Review status: no classification provided. Collection method: in vitro. Allele origin: not applicable. Functional consequence: skipped exon, retained intron. Not counted in ClinVar's aggregate classification.

Dr. Peter K. Rogan Lab, Western University
No classification provided (evidence only). Condition: Lung cancer. Review status: no classification provided. Collection method: in vitro. Allele origin: not applicable. Functional consequence: skipped exon, retained intron. Not counted in ClinVar's aggregate classification.

Dr. Peter K. Rogan Lab, Western University
No classification provided (evidence only). Condition: Familial cancer of breast. Review status: no classification provided. Collection method: in vitro. Allele origin: not applicable. Functional consequence: skipped exon, retained intron. Not counted in ClinVar's aggregate classification.

Dr. Peter K. Rogan Lab, Western University
No classification provided (evidence only). Condition: Acute myeloid leukemia. Review status: no classification provided. Collection method: in vitro. Allele origin: not applicable. Functional consequence: retained intron. Not counted in ClinVar's aggregate classification.

Dr. Peter K. Rogan Lab, Western University
No classification provided (evidence only). Condition: Uterine corpus endometrial carcinoma. Review status: no classification provided. Collection method: in vitro. Allele origin: not applicable. Functional consequence: retained intron. Not counted in ClinVar's aggregate classification.

Dr. Peter K. Rogan Lab, Western University
No classification provided (evidence only). Condition: Uterine corpus endometrial carcinoma. Review status: no classification provided. Collection method: in vitro. Allele origin: not applicable. Functional consequence: skipped exon, retained intron. Not counted in ClinVar's aggregate classification.

Dr. Peter K. Rogan Lab, Western University
No classification provided (evidence only). Condition: Sarcoma. Review status: no classification provided. Collection method: in vitro. Allele origin: not applicable. Functional consequence: skipped exon. Not counted in ClinVar's aggregate classification.

Dr. Peter K. Rogan Lab, Western University
No classification provided (evidence only). Condition: Thymoma. Review status: no classification provided. Collection method: in vitro. Allele origin: not applicable. Functional consequence: skipped exon, retained intron. Not counted in ClinVar's aggregate classification.

Dr. Peter K. Rogan Lab, Western University
No classification provided (evidence only). Condition: Ovarian serous cystadenocarcinoma. Review status: no classification provided. Collection method: in vitro. Allele origin: not applicable. Functional consequence: retained intron. Not counted in ClinVar's aggregate classification.

Dr. Peter K. Rogan Lab, Western University
No classification provided (evidence only). Condition: Gastric cancer. Review status: no classification provided. Collection method: in vitro. Allele origin: not applicable. Functional consequence: skipped exon. Not counted in ClinVar's aggregate classification.

Dr. Peter K. Rogan Lab, Western University
No classification provided (evidence only). Condition: Gastric cancer. Review status: no classification provided. Collection method: in vitro. Allele origin: not applicable. Functional consequence: skipped exon. Not counted in ClinVar's aggregate classification.

Dr. Peter K. Rogan Lab, Western University
No classification provided (evidence only). Condition: Gastric cancer. Review status: no classification provided. Collection method: in vitro. Allele origin: not applicable. Functional consequence: skipped exon, retained intron. Not counted in ClinVar's aggregate classification.

Dr. Peter K. Rogan Lab, Western University
No classification provided (evidence only). Condition: Uterine carcinosarcoma. Review status: no classification provided. Collection method: in vitro. Allele origin: not applicable. Functional consequence: skipped exon, retained intron. Not counted in ClinVar's aggregate classification.